The following is an entry in ClinVar:

ClinVar aggregate classification (germline): Likely benign. Review status: criteria provided, multiple submitters, no conflicts (2 of 4 stars). 2 submissions from 2 submitters: Likely benign (2). Last evaluated 2018-06-26.

Conditions:
Diabetic retinopathy. Identifiers: MedGen C0011884, MONDO:0005266.

Allele frequency attached by ClinVar (database versions not stated): 1000 Genomes Project 0.00679; gnomAD exomes 0.00110; 1000 Genomes Project 30x 0.00734; gnomAD 0.00762 and 0.00832; TOPMed 0.00867.
gnomAD v4.1: 1,377 of 324,702 alleles (0.42%); highest among the groups gnomAD compares: African/African-American, 2.6%; 17 homozygotes.

Submissions (2):

GeneDx
Classification: Likely benign. Last evaluated: 2018-06-26. Review status: criteria provided, single submitter. Criteria: GeneDx Variant Classification Process June 2021. Collection method: clinical testing. Allele origin: germline. Affected: yes.

Clinical Genomics, Uppaluri K&H Personalized Medicine Clinic
Classification: Likely benign for Diabetic retinopathy. Review status: criteria provided, single submitter. Criteria: K And H Uppaluri Personalized Medicine Clinic Variant Classification And Assertion Criteria Updated V 2. Collection method: research. Allele origin: unknown.
Comment: Potent mutations in TGFBR2 gene encodes the transforming growth factor that have been associated with angiogenesis and diabetic retinopathy. More clinical studies are needed for stronger association. However, more evidence is required to confer the association of this particular variant rs138010137 with diabetic retinopathy.

Literature cited by the submitters: PubMed 30222965 (cited by Clinical Genomics, Uppaluri K&H Personalized Medicine Clinic); PubMed 28162229 (cited by Clinical Genomics, Uppaluri K&H Personalized Medicine Clinic); PubMed 34572573 (cited by Clinical Genomics, Uppaluri K&H Personalized Medicine Clinic).

NM_001024847.2(TGFBR2):c.-302A>G

Gene: TGFBR2 (transforming growth factor beta receptor 2; plus strand). Cytogenetic location: 3p24.1.
Variant type: single nucleotide variant.
Coding change: c.-302A>G on transcript NM_001024847.2; 302 bases upstream of the start codon, A replaced by G.
Molecular consequence: 5 prime UTR variant (on NM_001407129.1).
Genome position (GRCh38, 1-based): chr3:30,606,582, A>G. VCF-style: chr3-30606582-A-G. GRCh37 (hg19) VCF-style: chr3-30648074-A-G.
Other names: c.-23A>G (NM_001407129.1, NM_001407132.1).
Identifiers: ClinVar variation 344649 (VCV000344649.10), dbSNP rs138010137, ClinGen allele CA10616069.